The following is an entry in ClinVar:

NM_147127.5(EVC2):c.2706+7T>G

Gene: EVC2 (EvC ciliary complex subunit 2; minus strand). Cytogenetic location: 4p16.2.
Variant type: single nucleotide variant.
Coding change: c.2706+7T>G on transcript NM_147127.5 (MANE Select); 7 bases into the intron after coding-DNA position 2706, T replaced by G.
Molecular consequence: intron variant.
Genome position (GRCh38, 1-based): chr4:5,618,471, A>C on the plus strand (T>G on the coding strand, the complement: EVC2 is on the minus strand). VCF-style: chr4-5618471-A-C. GRCh37 (hg19) VCF-style: chr4-5620198-A-C.
Other names: c.2466+7T>G (NM_001166136.2).
Identifiers: ClinVar variation 510028 (VCV000510028.1), dbSNP rs1553830468, ClinGen allele CA658796416.

ClinVar aggregate classification (germline): Likely benign (1 of 4 stars; one submission).

Submission:

GeneDx
Classification: Likely benign. Last evaluated: 2017-06-06. Review status: criteria provided, single submitter. Criteria: GeneDx Variant Classification (06012015). Collection method: clinical testing. Allele origin: germline. Affected: yes.
Comment: This variant is considered likely benign or benign based on one or more of the following criteria: it is a conservative change, it occurs at a poorly conserved position in the protein, it is predicted to be benign by multiple in silico algorithms, and/or has population frequency not consistent with disease.